The following is an entry in ClinVar:

ClinVar aggregate classification (germline): Uncertain significance (1 of 4 stars; one submission).

Conditions:
Familial cancer of breast. Also called: Hereditary breast cancer; BREAST CANCER, FAMILIAL; hereditary breast carcinoma. Identifiers: Orphanet 227535, MedGen C0346153, MONDO:0016419, OMIM 114480. Disease mechanism: loss of function.

Submission:

Labcorp Genetics (formerly Invitae), Labcorp
Classification: Uncertain significance for Familial cancer of breast. Last evaluated: 2022-11-01. Review status: criteria provided, single submitter. Criteria: Invitae Variant Classification Sherloc (09022015). Collection method: clinical testing. Allele origin: germline.
Comment: In summary, the available evidence is currently insufficient to determine the role of this variant in disease. Therefore, it has been classified as a Variant of Uncertain Significance. Advanced modeling of protein sequence and biophysical properties (such as structural, functional, and spatial information, amino acid conservation, physicochemical variation, residue mobility, and thermodynamic stability) performed at Invitae indicates that this missense variant is not expected to disrupt PALB2 protein function. This variant has not been reported in the literature in individuals affected with PALB2-related conditions. This variant is not present in population databases (gnomAD no frequency). This sequence change replaces alanine, which is neutral and non-polar, with threonine, which is neutral and polar, at codon 1057 of the PALB2 protein (p.Ala1057Thr).

NM_024675.4(PALB2):c.3169G>A (p.Ala1057Thr)

Gene: PALB2 (partner and localizer of BRCA2; minus strand). Cytogenetic location: 16p12.2.
Variant type: single nucleotide variant.
Coding change: c.3169G>A on transcript NM_024675.4 (MANE Select); coding-DNA position 3169, G replaced by A.
Protein change: p.Ala1057Thr; replaces alanine 1057 with threonine.
Molecular consequence: missense variant. On other transcripts: intron variant (3).
Genome position (GRCh38, 1-based): chr16:23,614,036, C>T on the plus strand (G>A on the coding strand, the complement: PALB2 is on the minus strand). VCF-style: chr16-23614036-C-T. GRCh37 (hg19) VCF-style: chr16-23625357-C-T.
Other names: c.1381G>A, p.Ala461Thr (NM_001407312.1, NM_001407313.1); c.703G>A, p.Ala235Thr (NM_001407314.1); c.2228+7326G>A (NM_001407309.1, NM_001407308.1); c.3113+7326G>A (NM_001407299.1); c.3109G>A, p.Ala1037Thr (NM_001407296.1); c.3097G>A, p.Ala1033Thr (NM_001407297.1); c.3007G>A, p.Ala1003Thr (NM_001407298.1, NM_001407302.1); c.2890G>A, p.Ala964Thr (NM_001407300.1); and 3 more; short protein forms A461T, A1003T, A235T, A964T, A1033T, A1037T, A762T, A1057T.
Identifiers: ClinVar variation 2781068 (VCV002781068.3), dbSNP rs2142299202, ClinGen allele CA395141237.